The following is an entry in ClinVar:

NM_006260.5(DNAJC3):c.1422C>T (p.Gly474=)

Gene: DNAJC3 (DnaJ heat shock protein family (Hsp40) member C3; plus strand). Cytogenetic location: 13q32.1.
Variant type: single nucleotide variant.
Coding change: c.1422C>T on transcript NM_006260.5 (MANE Select); coding-DNA position 1422, C replaced by T.
Protein change: p.Gly474=; no amino-acid change (glycine 474 retained).
Molecular consequence: synonymous variant.
Genome position (GRCh38, 1-based): chr13:95,790,937, C>T. VCF-style: chr13-95790937-C-T. GRCh37 (hg19) VCF-style: chr13-96443191-C-T.
Identifiers: ClinVar variation 2643877 (VCV002643877.24), dbSNP rs758611138, ClinGen allele CA7021606.

ClinVar aggregate classification (germline): Likely benign (1 of 4 stars; one submission).

Allele frequency attached by ClinVar (database versions not stated): gnomAD 0.00001; TOPMed 0.00002; gnomAD exomes 0.00003; ExAC 0.00004.
gnomAD v4.1: 46 of 1,609,712 alleles (0.0029%); highest among the groups gnomAD compares: South Asian, 0.0067%; no homozygotes.

Submission:

CeGaT Center for Human Genetics Tuebingen
Classification: Likely benign. Last evaluated: 2023-06-01. Review status: criteria provided, single submitter. Criteria: CeGaT Center For Human Genetics Tuebingen Variant Classification Criteria Version 2. Collection method: clinical testing. Allele origin: germline. Affected: yes. Observed: 1 variant allele.
Comment: DNAJC3: BP4, BP7